The following is an entry in ClinVar:

ClinVar aggregate classification (germline): Uncertain significance (1 of 4 stars; one submission).

Conditions:
Hypertrophic cardiomyopathy. Also called: HYPERTROPHIC MYOCARDIOPATHY. Identifiers: Orphanet 217569, MedGen C0007194, MeSH D002312, MONDO:0005045, HP:0001639.

Submission:

Labcorp Genetics (formerly Invitae), Labcorp
Classification: Uncertain significance for Hypertrophic cardiomyopathy. Last evaluated: 2019-12-20. Review status: criteria provided, single submitter. Criteria: Invitae Variant Classification Sherloc (09022015). Collection method: clinical testing. Allele origin: germline.
Comment: This variant is a gross deletion of the genomic region encompassing exons 27 of the MYBPC3 gene. The 5' boundary is likely confined to intron 26. The 3' end of this event is unknown as it extends through the termination codon beyond the assayed region for this gene and may encompass additional genes. While this deletion is not anticipated to result in nonsense mediated decay, it is expected to create a truncated protein product or disrupt mRNA translation. This variant has been observed in individual(s) with clinical features of dilated cardiomyopathy (Invitae). Experimental studies and prediction algorithms are not available or were not evaluated for this variant, and the functional significance of this variant is currently unknown. In summary, the available evidence is currently insufficient to determine the role of this variant in disease. Therefore, it has been classified as a Variant of Uncertain Significance.

NC_000011.10:g.(?_47331843)_(47335219_?)del

Gene: MYBPC3 (myosin binding protein C3; minus strand). Cytogenetic location: 11p11.2.
Variant type: Deletion.
Identifiers: ClinVar variation 831473 (VCV000831473.1).